The following is an entry in ClinVar:

NM_130468.4(CHST14):c.31G>A (p.Ala11Thr)

Genes: CHST14 (carbohydrate sulfotransferase 14; plus strand), LOC130056851 (ATAC-STARR-seq lymphoblastoid silent region 6336; plus strand). Cytogenetic location: 15q15.1.
Variant type: single nucleotide variant.
Coding change: c.31G>A on transcript NM_130468.4 (MANE Select); coding-DNA position 31, G replaced by A.
Protein change: p.Ala11Thr; replaces alanine 11 with threonine.
Molecular consequence: missense variant.
Genome position (GRCh38, 1-based): chr15:40,471,244, G>A. VCF-style: chr15-40471244-G-A. GRCh37 (hg19) VCF-style: chr15-40763443-G-A.
Other names: p.Ala11Thr; short protein forms A11T.
Identifiers: ClinVar variation 3380257 (VCV003380257.1).
Genomic context (GRCh38, chr15:40,471,244, plus strand): 5'-GCCCGCGCAGGCCCCCACCCCTTGAGCACCATGTTCCCCCGCCCGCTGACCCCGCTGGCG[G>A]CCCCAAATGGCGCCGAGCCCCTGGGCCGGGCGCTGAGGCGGGCCCCTCTGGGCAGGGCCC-3'
Protein context (NP_569735.1, residues 1-21): MFPRPLTPLA[Ala11Thr]PNGAEPLGRA

ClinVar aggregate classification (germline): Uncertain significance (1 of 4 stars; one submission).

gnomAD v4.1: 7 of 1,444,678 alleles (0.00048%); highest among the groups gnomAD compares: South Asian, 0.0014%; no homozygotes.

Submission:

Mayo Clinic Laboratories, Mayo Clinic
Classification: Uncertain significance. Last evaluated: 2024-08-27. Review status: criteria provided, single submitter. Criteria: ACMG Guidelines, 2015. Collection method: clinical testing. Allele origin: germline. Observed: 1 variant allele.
Comment: BP4, PM2